The following is an entry in ClinVar:

NM_007272.3(CTRC):c.797T>C (p.Met266Thr)

Gene: CTRC (chymotrypsin C; plus strand). Cytogenetic location: 1p36.21.
Variant type: single nucleotide variant.
Coding change: c.797T>C on transcript NM_007272.3 (MANE Select); coding-DNA position 797, T replaced by C.
Protein change: p.Met266Thr; replaces methionine 266 with threonine.
Molecular consequence: missense variant.
Genome position (GRCh38, 1-based): chr1:15,446,579, T>C. VCF-style: chr1-15446579-T-C. GRCh37 (hg19) VCF-style: chr1-15773074-T-C.
Other names: short protein forms M266T.
Identifiers: ClinVar variation 4235795 (VCV004235795.1).

ClinVar aggregate classification (germline): Uncertain significance (1 of 4 stars; one submission).

Conditions:
Hereditary pancreatitis (PCTT). Also called: Hereditary chronic pancreatitis; PRSS1-Related Hereditary Pancreatitis. Identifiers: Orphanet 676, MedGen C0238339, MONDO:0008185, OMIM 167800.

Submission:

Ambry Genetics
Classification: Uncertain significance for Hereditary pancreatitis. Last evaluated: 2025-08-02. Review status: criteria provided, single submitter. Criteria: Ambry Variant Classification Scheme 2023. Collection method: clinical testing. Allele origin: germline.
Comment: The p.M266T variant (also known as c.797T>C), located in coding exon 8 of the CTRC gene, results from a T to C substitution at nucleotide position 797. The methionine at codon 266 is replaced by threonine, an amino acid with similar properties. This amino acid position is conserved. In addition, this alteration is predicted to be tolerated by in silico analysis. Based on the available evidence, the clinical significance of this variant remains unclear.